The following is an entry in ClinVar:

NM_001128840.3(CACNA1D):c.3847G>C (p.Asp1283His)

Gene: CACNA1D (calcium voltage-gated channel subunit alpha1 D; plus strand). Cytogenetic location: 3p21.1.
Variant type: single nucleotide variant.
Coding change: c.3847G>C on transcript NM_001128840.3 (MANE Select); coding-DNA position 3847, G replaced by C.
Protein change: p.Asp1283His; replaces aspartic acid 1283 with histidine.
Molecular consequence: missense variant.
Genome position (GRCh38, 1-based): chr3:53,762,058, G>C. VCF-style: chr3-53762058-G-C. GRCh37 (hg19) VCF-style: chr3-53796085-G-C.
Other names: c.3907G>C, p.Asp1303His (NM_000720.4); c.3847G>C, p.Asp1283His (NM_001128839.3); short protein forms D1283H, D1303H.
Identifiers: ClinVar variation 1314503 (VCV001314503.2), dbSNP rs2108948769, ClinGen allele CA353254501.
Genomic context (GRCh38, chr3:53,762,058, plus strand): 5'-GGGTATTTTAGTGACGCCTGGAACACGTTTGACTCCCTCATCGTAATCGGCAGCATTATA[G>C]ACGTGGCCCTCAGCGAAGCAGACGTGAGTATGCACCTGGCGTGGCCGCCACCTGTGTCCT-3'
Protein context (NP_001122312.1, residues 1273-1293): DSLIVIGSII[Asp1283His]VALSEADPTE

ClinVar aggregate classification (germline): Uncertain significance (1 of 4 stars; one submission).

Submission:

GeneDx
Classification: Uncertain significance. Last evaluated: 2021-04-01. Review status: criteria provided, single submitter. Criteria: GeneDx Variant Classification Process June 2021. Collection method: clinical testing. Allele origin: germline. Affected: yes.
Comment: Not observed in large population cohorts (Lek et al., 2016); In silico analysis supports that this missense variant has a deleterious effect on protein structure/function; Has not been previously published as pathogenic or benign to our knowledge